The following is an entry in ClinVar:

ClinVar aggregate classification (germline): Uncertain significance. Review status: criteria provided, single submitter (1 of 4 stars). 2 submissions from 2 submitters: Uncertain significance (1). 1 of the submissions does not count toward it. Last evaluated 2022-03-20.

Conditions:
Retinitis pigmentosa (RP). Identifiers: Orphanet 791, MedGen C0035334, MeSH D012174, MONDO:0019200, OMIM 268000. Inheritance: Autosomal dominant, autosomal recessive and X linked inheritance.

Submissions (2):

Labcorp Genetics (formerly Invitae), Labcorp
Classification: Uncertain significance. Last evaluated: 2022-03-20. Review status: criteria provided, single submitter. Criteria: Invitae Variant Classification Sherloc (09022015). Collection method: clinical testing. Allele origin: germline.
Comment: This variant, c.4841_4843del, results in the deletion of 1 amino acid(s) of the GPR179 protein (p.Gly1614del), but otherwise preserves the integrity of the reading frame. This variant is present in population databases (rs767449258, gnomAD 0.008%). This variant has been observed in individual(s) with retinitis pigmentosa (PMID: 30718709). ClinVar contains an entry for this variant (Variation ID: 636173). Experimental studies and prediction algorithms are not available or were not evaluated, and the functional significance of this variant is currently unknown. In summary, the available evidence is currently insufficient to determine the role of this variant in disease. Therefore, it has been classified as a Variant of Uncertain Significance.

Department of Clinical Genetics, Copenhagen University Hospital, Rigshospitalet
Classification: Uncertain significance for Retinitis pigmentosa. Last evaluated: 2018-04-01. Review status: no assertion criteria provided. Collection method: research. Allele origin: unknown. Affected: yes. Study: VeluxRD. Not counted in ClinVar's aggregate classification.

Literature cited by the submitters: PubMed 30718709 (cited by Labcorp Genetics (formerly Invitae), Labcorp and Department of Clinical Genetics, Copenhagen University Hospital, Rigshospitalet).

NM_001004334.4(GPR179):c.4835GAG[2] (p.Gly1614del)

Gene: GPR179 (G protein-coupled receptor 179; minus strand). Cytogenetic location: 17q12.
Variant type: Microsatellite.
Coding change: c.4835GAG[2] on transcript NM_001004334.4 (MANE Select); two copies in a row of the 3-base unit GAG starting at c.4835; the reference has three copies in a row; one copy, 3 bases deleted; also written c.4841_4843del.
Protein change: p.Gly1614del; deletes glycine 1614.
Molecular consequence: inframe deletion.
Genome position (GRCh38, 1-based): chr17:38,328,726-38,328,728, CTC deleted on the plus strand (GAG on the coding strand, the reverse complement: GPR179 is on the minus strand); deleting any 3 consecutive bases within chr17:38,328,726-38,328,734 gives the same sequence; the position shown is the placement nearest the transcript's 3' end. VCF-style (leftmost placement, unchanged base first): chr17-38328725-TCTC-T. GRCh37 (hg19) VCF-style: chr17-36484608-TCTC-T.
Other names: c.4841_4843del (NM_001004334.3); short protein forms G1614del.
Identifiers: ClinVar variation 636173 (VCV000636173.3), dbSNP rs767449258, ClinGen allele CA290103892.
Genomic context (GRCh38, chr17:38,328,725, plus strand): 5'-CAAGCTGTGACATCTTCGATTTCCGATTTTCCAGGCATTTTCTCCTTGTCCTTTTGAGAT[TCTC>T]CTCCTCTTGGCACCTGTGCTGATGTCCATTCCTCTCTTGTTCTTTCATTTACCTCCCAGG-3'